The following is an entry in ClinVar:

NC_000013.11:g.76992067C>G

Gene: CLN5 (CLN5 lysosomal BMP synthase; plus strand). Cytogenetic location: 13q22.3.
Variant type: single nucleotide variant.
Molecular consequence: missense variant (on NM_006493.2).
Genome position: GRCh38 VCF-style: chr13-76992067-C-G. GRCh37 (hg19) VCF-style: chr13-77566202-C-G.
Other names: p.S39W:TCG>TGG; c.116C>G, p.Ser39Trp (NM_006493.2).
Identifiers: ClinVar variation 205124 (VCV000205124.10), dbSNP rs61504484, ClinGen allele CA313858.

ClinVar aggregate classification (germline): Conflicting classifications of pathogenicity. Review status: criteria provided, conflicting classifications (1 of 4 stars). 3 submissions from 3 submitters: Uncertain significance (2); Likely benign (1). Last evaluated 2024-02-24.

Conditions:
Neuronal ceroid lipofuscinosis. Also called: Neuronal Ceroid Lipofuscinoses. Identifiers: Orphanet 216, Orphanet 79263, MedGen C0027877, MONDO:0016295. Disease mechanism: loss of function.
Neuronal ceroid lipofuscinosis 5 (CLN5). Also called: CEROID LIPOFUSCINOSIS, NEURONAL, 5, VARIABLE AGE AT ONSET; Neuronal ceroid lipofuscinosis Finnish variant; NEURONAL CEROID LIPOFUSCINOSIS, LATE INFANTILE, FINNISH VARIANT; CLN5-Related Neuronal Ceroid-Lipofuscinosis. Identifiers: Orphanet 168491, Orphanet 228360, MedGen C1850442, MONDO:0009745, OMIM 256731.

Allele frequency attached by ClinVar (database versions not stated): TOPMed 0.00001; gnomAD 0.00003.

Submissions (3):

Labcorp Genetics (formerly Invitae), Labcorp
Classification: Uncertain significance for Neuronal ceroid lipofuscinosis. Last evaluated: 2024-02-24. Review status: criteria provided, single submitter. Criteria: Invitae Variant Classification Sherloc (09022015). Collection method: clinical testing. Allele origin: germline.
Comment: This sequence change replaces serine, which is neutral and polar, with tryptophan, which is neutral and slightly polar, at codon 39 of the CLN5 protein (p.Ser39Trp). This variant is present in population databases (rs61504484, gnomAD 0.02%). This variant has not been reported in the literature in individuals affected with CLN5-related conditions. ClinVar contains an entry for this variant (Variation ID: 205124). Algorithms developed to predict the effect of missense changes on protein structure and function output the following: SIFT: "Not Available"; PolyPhen-2: "Benign"; Align-GVGD: "Not Available". The tryptophan amino acid residue is found in multiple mammalian species, which suggests that this missense change does not adversely affect protein function. In summary, the available evidence is currently insufficient to determine the role of this variant in disease. Therefore, it has been classified as a Variant of Uncertain Significance.

Genome-Nilou Lab
Classification: Uncertain significance for Neuronal ceroid lipofuscinosis 5. Last evaluated: 2021-08-10. Review status: criteria provided, single submitter. Criteria: ACMG Guidelines, 2015. Collection method: clinical testing. Allele origin: germline. Affected: no.

GeneDx
Classification: Likely benign. Last evaluated: 2015-07-28. Review status: criteria provided, single submitter. Criteria: GeneDx Variant Classification (06012015). Collection method: clinical testing. Allele origin: germline. Affected: yes.
Comment: This variant is considered likely benign or benign based on one or more of the following criteria: it is a conservative change, it occurs at a poorly conserved position in the protein, it is predicted to be benign by multiple in silico algorithms, and/or has population frequency not consistent with disease.